The following is an entry in ClinVar:

NM_000368.5(TSC1):c.1654_1655delinsCCTTGTTGTTGGCCTTCTTCAGTTCTATCCGCAGCTCCGCAATCATGTTCCTGCAGTCCTCCAGCTTCGTCTGCCCAAAGAGACGTGGACATGAAGTTTGAGGAACACCAACAGGCCAGATCACAGGCCTACCTACAAAGTC (p.Phe552fs)

Gene: TSC1 (TSC complex subunit 1; minus strand). Cytogenetic location: 9q34.13.
Variant type: Indel.
Coding change: c.1654_1655delinsCCTTGTTGTTGGCCTTCTTCAGTTCTATCCGCAGCTCCGCAATCATGTTCCTGCAGTCCTCCAGCTTCGTCTGCCCAAAGAGACGTGGACATGAAGTTTGAGGAACACCAACAGGCCAGATCACAGGCCTACCTACAAAGTC on transcript NM_000368.5 (MANE Select); coding-DNA positions 1654 to 1655, the reference bases replaced by an inserted sequence.
Protein change: p.Phe552fs; shifts the reading frame from phenylalanine 552.
Molecular consequence: frameshift variant.
Genome position (GRCh38, 1-based): chr9:132,905,923-132,905,924, 2 bases replaced. GRCh37 (hg19): chr9:135,781,310-135,781,311.
Other names: c.1288_1289delTTinsCCTTGTTGTTGGCCTTCTTCAGTTCTATCCGCAGCTCCGCAATCATGTTCCTGCAGTCCTCCAGCTTCGTCTGCCCAAAGAGACGTGGACATGAAGTTTGAGGAACACCAACAGGCCAGATCACAGGCCTACCTACAAAGTC, p.Phe430Profs (NM_001406622.1, NM_001406623.1, NM_001406625.1 and 2 more transcripts); c.1291_1292delTTinsCCTTGTTGTTGGCCTTCTTCAGTTCTATCCGCAGCTCCGCAATCATGTTCCTGCAGTCCTCCAGCTTCGTCTGCCCAAAGAGACGTGGACATGAAGTTTGAGGAACACCAACAGGCCAGATCACAGGCCTACCTACAAAGTC, p.Phe431Profs (NM_001406624.1, NM_001406614.1, NM_001406615.1 and 4 more transcripts); c.703_704delTTinsCCTTGTTGTTGGCCTTCTTCAGTTCTATCCGCAGCTCCGCAATCATGTTCCTGCAGTCCTCCAGCTTCGTCTGCCCAAAGAGACGTGGACATGAAGTTTGAGGAACACCAACAGGCCAGATCACAGGCCTACCTACAAAGTC, p.Phe235Profs (NM_001406626.1); c.700_701delTTinsCCTTGTTGTTGGCCTTCTTCAGTTCTATCCGCAGCTCCGCAATCATGTTCCTGCAGTCCTCCAGCTTCGTCTGCCCAAAGAGACGTGGACATGAAGTTTGAGGAACACCAACAGGCCAGATCACAGGCCTACCTACAAAGTC, p.Phe234Profs (NM_001406627.1, NM_001406628.1); c.601_602delTTinsCCTTGTTGTTGGCCTTCTTCAGTTCTATCCGCAGCTCCGCAATCATGTTCCTGCAGTCCTCCAGCTTCGTCTGCCCAAAGAGACGTGGACATGAAGTTTGAGGAACACCAACAGGCCAGATCACAGGCCTACCTACAAAGTC, p.Phe201Profs (NM_001406629.1, NM_001406630.1); c.1651_1652delinsCCTTGTTGTTGGCCTTCTTCAGTTCTATCCGCAGCTCCGCAATCATGTTCCTGCAGTCCTCCAGCTTCGTCTGCCCAAAGAGACGTGGACATGAAGTTTGAGGAACACCAACAGGCCAGATCACAGGCCTACCTACAAAGTC, p.Phe551fs (NM_001162426.2); c.1501_1502delinsCCTTGTTGTTGGCCTTCTTCAGTTCTATCCGCAGCTCCGCAATCATGTTCCTGCAGTCCTCCAGCTTCGTCTGCCCAAAGAGACGTGGACATGAAGTTTGAGGAACACCAACAGGCCAGATCACAGGCCTACCTACAAAGTC, p.Phe501fs (NM_001162427.2); c.1291_1292delinsCCTTGTTGTTGGCCTTCTTCAGTTCTATCCGCAGCTCCGCAATCATGTTCCTGCAGTCCTCCAGCTTCGTCTGCCCAAAGAGACGTGGACATGAAGTTTGAGGAACACCAACAGGCCAGATCACAGGCCTACCTACAAAGTC, p.Phe431fs (NM_001362177.2); and 4 more; short protein forms F501fs, F431fs, F552fs, F551fs.
Identifiers: ClinVar variation 2030066 (VCV002030066.4), dbSNP rs2538730433, ClinGen allele CA2580079922.

ClinVar aggregate classification (germline): Pathogenic (1 of 4 stars; one submission).

Conditions:
Tuberous sclerosis 1 (TSC1). Identifiers: Orphanet 805, MedGen C1854465, MONDO:0008612, OMIM 191100.

Submission:

Labcorp Genetics (formerly Invitae), Labcorp
Classification: Pathogenic for Tuberous sclerosis 1. Last evaluated: 2022-09-11. Review status: criteria provided, single submitter. Criteria: Invitae Variant Classification Sherloc (09022015). Collection method: clinical testing. Allele origin: germline.
Comment: This sequence change creates a premature translational stop signal (p.Phe552Profs*51) in the TSC1 gene. It is expected to result in an absent or disrupted protein product. Loss-of-function variants in TSC1 are known to be pathogenic (PMID: 10227394, 17304050). This variant is not present in population databases (gnomAD no frequency). This variant has not been reported in the literature in individuals affected with TSC1-related conditions. For these reasons, this variant has been classified as Pathogenic.

Literature cited by the submitters: PubMed 10227394; PubMed 17304050.